The following is an entry in ClinVar:

ClinVar aggregate classification (germline): Uncertain significance (1 of 4 stars; one submission).

Conditions:
Seizures, benign familial infantile, 3 (BFIS3). Also called: CONVULSIONS, BENIGN FAMILIAL INFANTILE, 3; Familial neonatal seizures. Identifiers: Orphanet 140927, Orphanet 306, MedGen C1843140, MONDO:0011904, OMIM 607745.
Developmental and epileptic encephalopathy, 11 (DEE11). Also called: Early infantile epileptic encephalopathy 11. Identifiers: Orphanet 1934, MedGen C3150987, MONDO:0013388, OMIM 613721.

Submission:

Labcorp Genetics (formerly Invitae), Labcorp
Classification: Uncertain significance for Seizures, benign familial infantile, 3; Developmental and epileptic encephalopathy, 11. Last evaluated: 2023-03-28. Review status: criteria provided, single submitter. Criteria: Invitae Variant Classification Sherloc (09022015). Collection method: clinical testing. Allele origin: germline.
Comment: This sequence change replaces serine, which is neutral and polar, with phenylalanine, which is neutral and non-polar, at codon 514 of the SCN2A protein (p.Ser514Phe). This variant is not present in population databases (gnomAD no frequency). This variant has not been reported in the literature in individuals affected with SCN2A-related conditions. Advanced modeling of protein sequence and biophysical properties (such as structural, functional, and spatial information, amino acid conservation, physicochemical variation, residue mobility, and thermodynamic stability) performed at Invitae indicates that this missense variant is not expected to disrupt SCN2A protein function. In summary, the available evidence is currently insufficient to determine the role of this variant in disease. Therefore, it has been classified as a Variant of Uncertain Significance.

NM_001040142.2(SCN2A):c.1541C>T (p.Ser514Phe)

Gene: SCN2A (sodium voltage-gated channel alpha subunit 2; plus strand). Cytogenetic location: 2q24.3.
Variant type: single nucleotide variant.
Coding change: c.1541C>T on transcript NM_001040142.2 (MANE Select); coding-DNA position 1541, C replaced by T.
Protein change: p.Ser514Phe; replaces serine 514 with phenylalanine.
Molecular consequence: missense variant.
Genome position (GRCh38, 1-based): chr2:165,315,628, C>T. VCF-style: chr2-165315628-C-T. GRCh37 (hg19) VCF-style: chr2-166172138-C-T.
Other names: c.1541C>T, p.Ser514Phe (NM_001040143.2, NM_001371246.1, NM_001371247.1 and 1 more transcripts); short protein forms S514F.
Identifiers: ClinVar variation 2942137 (VCV002942137.3), dbSNP rs2467908974, ClinGen allele CA349023474.